The following is an entry in ClinVar:

NM_000268.4(NF2):c.547A>T (p.Met183Leu)

Gene: NF2 (NF2, moesin-ezrin-radixin like (MERLIN) tumor suppressor; plus strand). Cytogenetic location: 22q12.2.
Variant type: single nucleotide variant.
Coding change: c.547A>T on transcript NM_000268.4 (MANE Select); coding-DNA position 547, A replaced by T.
Protein change: p.Met183Leu; replaces methionine 183 with leucine.
Molecular consequence: missense variant. On other transcripts: intron variant (1).
Genome position (GRCh38, 1-based): chr22:29,655,624, A>T. VCF-style: chr22-29655624-A-T. GRCh37 (hg19) VCF-style: chr22-30051613-A-T.
Other names: c.433A>T, p.Met145Leu (NM_001407053.1, NM_001407056.1); c.424A>T, p.Met142Leu (NM_001407054.1, NM_001407058.1, NM_001407062.1 and 1 more transcripts); c.421A>T, p.Met141Leu (NM_001407055.1, NM_181828.3); c.547A>T, p.Met183Leu (NM_001407057.1, NM_001407059.1, NM_001407060.1 and 4 more transcripts); c.298A>T, p.Met100Leu (NM_001407063.1, NM_001407064.1, NM_181830.3 and 1 more transcripts); c.13A>T, p.Met5Leu (NM_001407065.1); c.316A>T, p.Met106Leu (NM_001407067.1); c.447+13339A>T (NM_181833.3); short protein forms M141L, M183L, M142L, M5L, M145L, M100L, M106L.
Identifiers: ClinVar variation 2453830 (VCV002453830.2), dbSNP rs2518555505, ClinGen allele CA411142578.

ClinVar aggregate classification (germline): Uncertain significance (1 of 4 stars; one submission).

Conditions:
Hereditary cancer-predisposing syndrome. Also called: Neoplastic Syndromes, Hereditary; Hereditary neoplastic syndrome; Tumor predisposition; Hereditary Cancer Syndrome. Identifiers: Orphanet 140162, MedGen C0027672, MeSH D009386, MONDO:0015356.

Submission:

Ambry Genetics
Classification: Uncertain significance for Hereditary cancer-predisposing syndrome. Last evaluated: 2023-01-05. Review status: criteria provided, single submitter. Criteria: Ambry Variant Classification Scheme 2023. Collection method: clinical testing. Allele origin: germline.
Comment: The p.M183L variant (also known as c.547A>T), located in coding exon 6 of the NF2 gene, results from an A to T substitution at nucleotide position 547. The methionine at codon 183 is replaced by leucine, an amino acid with highly similar properties. This amino acid position is conserved. In addition, the in silico prediction for this alteration is inconclusive. Since supporting evidence is limited at this time, the clinical significance of this alteration remains unclear.